The following is an entry in ClinVar:

NM_001288705.3(CSF1R):c.1108C>A (p.Arg370Ser)

Gene: CSF1R (colony stimulating factor 1 receptor; minus strand). Cytogenetic location: 5q32.
Variant type: single nucleotide variant.
Coding change: c.1108C>A on transcript NM_001288705.3 (MANE Select); coding-DNA position 1108, C replaced by A.
Protein change: p.Arg370Ser; replaces arginine 370 with serine.
Molecular consequence: missense variant. On other transcripts: non-coding transcript variant (2).
Genome position (GRCh38, 1-based): chr5:150,070,546, G>T on the plus strand (C>A on the coding strand, the complement: CSF1R is on the minus strand). VCF-style: chr5-150070546-G-T. GRCh37 (hg19) VCF-style: chr5-149450109-G-T.
Other names: c.1108C>A, p.Arg370Ser (NM_001349736.2, NM_001375320.1, NM_005211.4); c.664C>A, p.Arg222Ser (NM_001375321.1); short protein forms R370S, R222S.
Identifiers: ClinVar variation 2862563 (VCV002862563.3), dbSNP rs1315261761, ClinGen allele CA361722460.

ClinVar aggregate classification (germline): Uncertain significance (1 of 4 stars; one submission).

Allele frequency attached by ClinVar (database versions not stated): TOPMed below 0.00001; gnomAD 0.00001.
gnomAD v4.1: 3 of 1,544,410 alleles (0.00019%); highest among the groups gnomAD compares: Admixed American, 0.0061%; no homozygotes.

Submission:

Labcorp Genetics (formerly Invitae), Labcorp
Classification: Uncertain significance. Last evaluated: 2023-10-20. Review status: criteria provided, single submitter. Criteria: Invitae Variant Classification Sherloc (09022015). Collection method: clinical testing. Allele origin: germline.
Comment: This sequence change replaces arginine, which is basic and polar, with serine, which is neutral and polar, at codon 370 of the CSF1R protein (p.Arg370Ser). The frequency data for this variant in the population databases is considered unreliable, as metrics indicate poor data quality at this position in the gnomAD database. This variant has not been reported in the literature in individuals affected with CSF1R-related conditions. Advanced modeling of protein sequence and biophysical properties (such as structural, functional, and spatial information, amino acid conservation, physicochemical variation, residue mobility, and thermodynamic stability) performed at Invitae indicates that this missense variant is not expected to disrupt CSF1R protein function. In summary, the available evidence is currently insufficient to determine the role of this variant in disease. Therefore, it has been classified as a Variant of Uncertain Significance.